The following is an entry in ClinVar:

NM_014989.7(RIMS1):c.1479G>T (p.Glu493Asp)

Gene: RIMS1 (regulating synaptic membrane exocytosis 1; plus strand). Cytogenetic location: 6q13.
Variant type: single nucleotide variant.
Coding change: c.1479G>T on transcript NM_014989.7 (MANE Select); coding-DNA position 1479, G replaced by T.
Protein change: p.Glu493Asp; replaces glutamic acid 493 with aspartic acid.
Molecular consequence: missense variant.
Genome position (GRCh38, 1-based): chr6:72,182,950, G>T. VCF-style: chr6-72182950-G-T. GRCh37 (hg19) VCF-style: chr6-72892653-G-T.
Other names: c.1479G>T (NM_014989.4); short protein forms E493D.
Identifiers: ClinVar variation 1049632 (VCV001049632.8), dbSNP rs753784735, ClinGen allele CA3885709.

ClinVar aggregate classification (germline): Uncertain significance. Review status: criteria provided, multiple submitters, no conflicts (2 of 4 stars). 4 submissions from 4 submitters: Uncertain significance (3). 1 of the submissions does not count toward it. Last evaluated 2025-10-03.

Allele frequency attached by ClinVar (database versions not stated): gnomAD exomes 0.00001.
gnomAD v4.1: 13 of 1,591,512 alleles (0.00082%); highest among the groups gnomAD compares: Non-Finnish European, 0.0011%; no homozygotes.

Submissions (4):

Labcorp Genetics (formerly Invitae), Labcorp
Classification: Uncertain significance. Last evaluated: 2025-10-03. Review status: criteria provided, single submitter. Criteria: Invitae Variant Classification Sherloc (09022015). Collection method: clinical testing. Allele origin: germline.
Comment: This sequence change replaces glutamic acid, which is acidic and polar, with aspartic acid, which is acidic and polar, at codon 493 of the RIMS1 protein (p.Glu493Asp). The frequency data for this variant in the population databases is considered unreliable, as metrics indicate poor data quality at this position in the gnomAD database. This variant has not been reported in the literature in individuals affected with RIMS1-related conditions. ClinVar contains an entry for this variant (Variation ID: 1049632). An algorithm developed to predict the effect of missense changes on protein structure and function (PolyPhen-2) suggests that this variant is likely to be disruptive. In summary, the available evidence is currently insufficient to determine the role of this variant in disease. Therefore, it has been classified as a Variant of Uncertain Significance.

Ambry Genetics
Classification: Uncertain significance. Last evaluated: 2025-10-02. Review status: criteria provided, single submitter. Criteria: Ambry Variant Classification Scheme 2023. Collection method: clinical testing. Allele origin: germline.

Blueprint Genetics
Classification: Uncertain significance. Last evaluated: 2024-06-06. Review status: criteria provided, single submitter. Criteria: ACMG Guidelines, 2015. Collection method: clinical testing. Allele origin: germline.

Department of Pathology and Laboratory Medicine, Sinai Health System
Classification: Uncertain significance. Review status: no assertion criteria provided. Collection method: clinical testing. Allele origin: unknown. Affected: yes. Study: The Canadian Open Genetics Repository (COGR). Not counted in ClinVar's aggregate classification.
Comment: The RIMS1 p.Glu493Asp variant was not identified in the literature nor was it identified in ClinVar. The variant was identified in dbSNP (ID: rs753784735) and in control databases in 3 of 207382 chromosomes at a frequency of 0.00001447 (Genome Aggregation Database March 6, 2019, v2.1.1). The variant was observed in the European (non-Finnish) population in 3 of 91270 chromosomes (freq: 0.000033), but was not observed in the African, Latino, Ashkenazi Jewish, East Asian, European (Finnish), Other, or South Asian populations. The p.Glu493 residue is conserved in mammals but not in more distantly related organisms however computational analyses (PolyPhen-2, SIFT, AlignGVGD, BLOSUM, MutationTaster) do not suggest a high likelihood of impact to the protein; this information is not predictive enough to rule out pathogenicity. The variant occurs outside of the splicing consensus sequence and 3 of 4 in silico or computational prediction software programs (SpliceSiteFinder, MaxEntScan, NNSPLICE, GeneSplicer) predict a greater than 10% difference in splicing and the creation of a new 5' splice site. However, this has not been confirmed by RNA analysis and is not predictive enough to assume pathogenicity. In summary, based on the above information the clinical significance of this variant cannot be determined with certainty at this time. This variant is classified as a variant of uncertain significance.